The following is an entry in ClinVar:

NM_001291867.2(NHS):c.553C>T (p.Gln185Ter)

Gene: NHS (NHS actin remodeling regulator; plus strand). Cytogenetic location: Xp22.2.
Variant type: single nucleotide variant.
Coding change: c.553C>T on transcript NM_001291867.2 (MANE Select); coding-DNA position 553, C replaced by T.
Protein change: p.Gln185Ter; replaces glutamine 185 with a stop codon.
Molecular consequence: nonsense.
Genome position (GRCh38, 1-based): chrX:17,376,310, C>T. VCF-style: chrX-17376310-C-T. GRCh37 (hg19) VCF-style: chrX-17394433-C-T.
Other names: c.553C>T, p.Gln185Ter (NM_198270.4); short protein forms Q185*.
Identifiers: ClinVar variation 432524 (VCV000432524.2), dbSNP rs1555981433, ClinGen allele CA412484990.

ClinVar aggregate classification (germline): Pathogenic (1 of 4 stars; one submission).

Submission:

GeneDx
Classification: Pathogenic. Last evaluated: 2017-06-08. Review status: criteria provided, single submitter. Criteria: GeneDx Variant Classification (06012015). Collection method: clinical testing. Allele origin: germline. Affected: yes.
Comment: The Q185X variant in the NHS gene has not been reported previously as a pathogenic variant nor as a benign variant, to our knowledge. This variant is predicted to cause loss of normal protein function either through protein truncation or nonsense-mediated mRNA decay. The Q185X variant is not observed in large population cohorts (Lek et al., 2016). We interpret Q185X as a pathogenic variant.